The following is an entry in ClinVar:

NM_213622.4(STAMBP):c.337C>T (p.Arg113Ter)

Gene: STAMBP (STAM binding protein; plus strand). Cytogenetic location: 2p13.1.
Variant type: single nucleotide variant.
Coding change: c.337C>T on transcript NM_213622.4 (MANE Select); coding-DNA position 337, C replaced by T.
Protein change: p.Arg113Ter; replaces arginine 113 with a stop codon.
Molecular consequence: nonsense. On other transcripts: 5 prime UTR variant (6), non-coding transcript variant (4).
Genome position (GRCh38, 1-based): chr2:73,845,224, C>T. VCF-style: chr2-73845224-C-T. GRCh37 (hg19) VCF-style: chr2-74072351-C-T.
Other names: c.337C>T, p.Arg113Ter (NM_001353967.2, NM_001353968.2, NM_001353969.2 and 3 more transcripts); c.-69C>T (NM_001353971.2, NM_001353972.2, NM_001353973.2 and 3 more transcripts); short protein forms R113*.
Identifiers: ClinVar variation 1451758 (VCV001451758.7), dbSNP rs373680226, ClinGen allele CA1717508.

ClinVar aggregate classification (germline): Pathogenic/Likely pathogenic. Review status: criteria provided, multiple submitters, no conflicts (2 of 4 stars). 2 submissions from 2 submitters: Pathogenic (1); Likely pathogenic (1). Last evaluated 2025-06-20.

Conditions:
Microcephaly-capillary malformation syndrome (MICCAP). Identifiers: Orphanet 294016, MedGen C3280296, MONDO:0013659, OMIM 614261.

Allele frequency attached by ClinVar (database versions not stated): gnomAD exomes 0.00001 and 0.00002; TOPMed 0.00003; gnomAD 0.00003 and 0.00004; ESP Exome Variant Server 0.00008; ExAC 0.00002.

Submissions (2):

First Genomix Gene Laboratory, Genetic Diagnostics Department
Classification: Likely pathogenic for Microcephaly-capillary malformation syndrome. Last evaluated: 2025-06-20. Review status: criteria provided, single submitter. Criteria: ACMG Guidelines, 2015. Collection method: clinical testing. Allele origin: germline. Inheritance: Autosomal recessive inheritance. Affected: no. Observed: 1 variant allele.

Labcorp Genetics (formerly Invitae), Labcorp
Classification: Pathogenic. Last evaluated: 2022-02-04. Review status: criteria provided, single submitter. Criteria: Invitae Variant Classification Sherloc (09022015). Collection method: clinical testing. Allele origin: germline.
Comment: This sequence change creates a premature translational stop signal (p.Arg113*) in the STAMBP gene. It is expected to result in an absent or disrupted protein product. Loss-of-function variants in STAMBP are known to be pathogenic (PMID: 23542699). This variant is present in population databases (rs373680226, gnomAD 0.01%). This variant has not been reported in the literature in individuals affected with STAMBP-related conditions. For these reasons, this variant has been classified as Pathogenic.

Literature cited by the submitters: PubMed 23542699 (cited by Labcorp Genetics (formerly Invitae), Labcorp).